The following is an entry in ClinVar:

NC_012920.1(MT-ATP6):m.8616G>T

Gene: MT-ATP6 (mitochondrially encoded ATP synthase 6; plus strand).
Variant type: single nucleotide variant.
Genome position: chrM-8616-G-T.
Identifiers: ClinVar variation 235626 (VCV000235626.5), dbSNP rs41427749, ClinGen allele CA10581379.

ClinVar aggregate classification (germline): Benign/Likely benign. Review status: criteria provided, multiple submitters, no conflicts (2 of 4 stars). 3 submissions from 3 submitters: Benign (1); Likely benign (2). Last evaluated 2025-02-16.

Conditions:
Leigh syndrome (NULS). Also called: Leigh Syndrome (mtDNA deletion); Leigh's syndrome; LEIGH SYNDROME, NUCLEAR; Leigh Disease; Subacute necrotizing encephalopathy; Necrotizing encephalopathy infantile subacute of Leigh. Identifiers: Orphanet 506, MedGen C2931891, MONDO:0009723, OMIM 256000.

Submissions (3):

Laboratory of Genetics, Children's Clinical University Hospital Latvia
Classification: Likely benign. Last evaluated: 2025-02-16. Review status: criteria provided, single submitter. Criteria: ACMG Guidelines, 2015. Collection method: clinical testing. Allele origin: germline. Affected: yes.

Wong Mito Lab, Molecular and Human Genetics, Baylor College of Medicine
Classification: Benign for Leigh syndrome. Last evaluated: 2019-10-17. Review status: criteria provided, single submitter. Criteria: Modified ACMG Guidelines (Unpublished). Collection method: clinical testing. Allele origin: germline.
Comment: The NC_012920.1:m.8616G>T (YP_003024031.1:p.Leu30Phe) variant in MTATP6 gene is interpretated to be a Benign variant based on the modified ACMG guidelines (unpublished). This variant meets the following evidence codes: BS1, BS2

Center for Pediatric Genomic Medicine, Children's Mercy Hospital and Clinics
Classification: Likely benign. Last evaluated: 2014-10-13. Review status: criteria provided, single submitter. Criteria: ACMG Guidelines, 2015. Collection method: clinical testing. Allele origin: germline.
ClinVar note: Converted during submission from Likely Benign to Likely benign.